The following is an entry in ClinVar:

NM_020320.5(RARS2):c.516C>T (p.Gly172=)

Gene: RARS2 (arginyl-tRNA synthetase 2, mitochondrial; minus strand). Cytogenetic location: 6q15.
Variant type: single nucleotide variant.
Coding change: c.516C>T on transcript NM_020320.5 (MANE Select); coding-DNA position 516, C replaced by T.
Protein change: p.Gly172=; no amino-acid change (glycine 172 retained).
Molecular consequence: synonymous variant. On other transcripts: 5 prime UTR variant (7), non-coding transcript variant (15).
Genome position (GRCh38, 1-based): chr6:87,545,635, G>A on the plus strand (C>T on the coding strand, the complement: RARS2 is on the minus strand). VCF-style: chr6-87545635-G-A. GRCh37 (hg19) VCF-style: chr6-88255353-G-A.
Other names: c.-10C>T (NM_001318785.2, NM_001350506.2, NM_001350507.2 and 4 more transcripts); c.516C>T, p.Gly172= (NM_001350505.2).
Identifiers: ClinVar variation 2144398 (VCV002144398.3), dbSNP rs140354649, ClinGen allele CA3916614.
Genomic context (GRCh38, chr6:87,545,635, plus strand): 5'-TTTTACAATGAAATGAAAAATAAAATCTCAAGTGTACTTACCAAACTGCATGCCCCAATC[G>A]CCAAGGTAATTTATTCTTATTACTTGATGTCCTAAAGCTTCTTTGAGATTTGCTATAAAA-3'
Protein context (NP_064716.2, residues 162-182): GHQVIRINYL[Gly172=]DWGMQFGLLG

ClinVar aggregate classification (germline): Uncertain significance (1 of 4 stars; one submission).

Allele frequency attached by ClinVar (database versions not stated): ExAC 0.00001; gnomAD 0.00002; TOPMed 0.00002; 1000 Genomes Project 30x 0.00016; 1000 Genomes Project 0.00020.
gnomAD v4.1: 20 of 1,613,510 alleles (0.0012%); highest among the groups gnomAD compares: South Asian, 0.0066%; 1 homozygote.

Submissions (2):

Labcorp Genetics (formerly Invitae), Labcorp
Classification: Uncertain significance. Last evaluated: 2025-03-31. Review status: criteria provided, single submitter. Criteria: Invitae Variant Classification Sherloc (09022015). Collection method: clinical testing. Allele origin: germline.
Comment: This sequence change affects codon 172 of the RARS2 mRNA. It is a 'silent' change, meaning that it does not change the encoded amino acid sequence of the RARS2 protein. This variant is present in population databases (rs140354649, gnomAD 0.003%). This variant has not been reported in the literature in individuals affected with RARS2-related conditions. ClinVar contains an entry for this variant (Variation ID: 2144398). Algorithms developed to predict the effect of sequence changes on RNA splicing suggest that this variant may disrupt the consensus splice site. In summary, the available evidence is currently insufficient to determine the role of this variant in disease. Therefore, it has been classified as a Variant of Uncertain Significance.

Dr. Peter K. Rogan Lab, Western University
No classification provided (evidence only). Condition: Colon adenocarcinoma. Review status: no classification provided. Collection method: in vitro. Allele origin: not applicable. Functional consequence: retained intron. Not counted in ClinVar's aggregate classification.